The following is an entry in ClinVar:

ClinVar aggregate classification (germline): Uncertain significance (1 of 4 stars; one submission).

Conditions:
Developmental and epileptic encephalopathy, 34 (DEE34). Also called: Early infantile epileptic encephalopathy 34; SLC12A5-Related Epilepsy of Infancy with Migrating Focal Seizures. Identifiers: Orphanet 293181, MedGen C4225257, MONDO:0014718, OMIM 616645.

Submission:

Labcorp Genetics (formerly Invitae), Labcorp
Classification: Uncertain significance for Developmental and epileptic encephalopathy, 34. Last evaluated: 2021-03-01. Review status: criteria provided, single submitter. Criteria: Invitae Variant Classification Sherloc (09022015). Collection method: clinical testing. Allele origin: germline.
Comment: This variant is not present in population databases (ExAC no frequency). This variant has not been reported in the literature in individuals with SLC12A5-related conditions. Advanced modeling of protein sequence and biophysical properties (such as structural, functional, and spatial information, amino acid conservation, physicochemical variation, residue mobility, and thermodynamic stability) performed at Invitae indicates that this missense variant is expected to disrupt SLC12A5 protein function. In summary, the available evidence is currently insufficient to determine the role of this variant in disease. Therefore, it has been classified as a Variant of Uncertain Significance. This sequence change replaces isoleucine with asparagine at codon 196 of the SLC12A5 protein (p.Ile196Asn). The isoleucine residue is highly conserved and there is a large physicochemical difference between isoleucine and asparagine.

NM_020708.5(SLC12A5):c.587T>A (p.Ile196Asn)

Gene: SLC12A5 (solute carrier family 12 member 5; plus strand). Cytogenetic location: 20q13.12.
Variant type: single nucleotide variant.
Coding change: c.587T>A on transcript NM_020708.5 (MANE Select); coding-DNA position 587, T replaced by A.
Protein change: p.Ile196Asn; replaces isoleucine 196 with asparagine.
Molecular consequence: missense variant.
Genome position (GRCh38, 1-based): chr20:46,037,360, T>A. VCF-style: chr20-46037360-T-A. GRCh37 (hg19) VCF-style: chr20-44665999-T-A.
Other names: c.656T>A, p.Ile219Asn (NM_001134771.2); short protein forms I196N, I219N.
Identifiers: ClinVar variation 1484764 (VCV001484764.8), dbSNP rs2145484652, ClinGen allele CA409188850.
Genomic context (GRCh38, chr20:46,037,360, plus strand): 5'-TTGGGGGTGCCGTGGGCCTCTGCTTCTACCTGGGCACTACCTTTGCAGGAGCCATGTACA[T>A]CCTGGGCACCATCGAAATCCTGCTGGTAAGAGAGGCTGAGGAGGAGGTGTGGAACCCCAG-3'
Protein context (NP_065759.1, residues 186-206): LGTTFAGAMY[Ile196Asn]LGTIEILLAY